The following is an entry in ClinVar:

ClinVar aggregate classification (germline): Uncertain significance (1 of 4 stars; one submission).

Conditions:
Inborn genetic diseases. Identifiers: MedGen C0950123, MeSH D030342.

Allele frequency attached by ClinVar (database versions not stated): TOPMed 0.00032; gnomAD exomes 0.00003; ExAC 0.00011; gnomAD 0.00023; ESP Exome Variant Server 0.00031.
gnomAD v4.1: 88 of 1,614,154 alleles (0.0055%); highest among the groups gnomAD compares: African/African-American, 0.073%; no homozygotes.

Submission:

Ambry Genetics
Classification: Uncertain significance for Inborn genetic diseases. Last evaluated: 2026-08-31. Review status: criteria provided, single submitter. Criteria: Ambry Variant Classification Scheme 2023. Collection method: clinical testing. Allele origin: germline.
Comment: The c.11719G>A (p.G3907S) alteration is located in exon 61 (coding exon 60) of the VPS13D gene. This alteration results from a G to A substitution at nucleotide position 11719, causing the glycine (G) at amino acid position 3907 to be replaced by a serine (S). Based on data from gnomAD, the A allele has an overall frequency of 0.01% (28/282818) total alleles studied. The highest observed frequency was 0.08% (20/24956) of African alleles. This amino acid position is well conserved in available vertebrate species. The in silico prediction for this alteration is inconclusive. Based on insufficient or conflicting evidence, the clinical significance of this alteration remains unclear.

NM_015378.4(VPS13D):c.11719G>A (p.Gly3907Ser)

Gene: VPS13D (vacuolar protein sorting 13 homolog D; plus strand). Cytogenetic location: 1p36.22.
Variant type: single nucleotide variant.
Coding change: c.11719G>A on transcript NM_015378.4 (MANE Select); coding-DNA position 11719, G replaced by A.
Protein change: p.Gly3907Ser; replaces glycine 3907 with serine.
Molecular consequence: missense variant.
Genome position (GRCh38, 1-based): chr1:12,400,265, G>A. VCF-style: chr1-12400265-G-A. GRCh37 (hg19) VCF-style: chr1-12460322-G-A.
Other names: c.11644G>A, p.Gly3882Ser (NM_018156.4); short protein forms G3882S, G3907S.
Identifiers: ClinVar variation 2402391 (VCV002402391.3), dbSNP rs141581482, ClinGen allele CA604019.